The following is an entry in ClinVar:

ClinVar aggregate classification (germline): Uncertain significance (1 of 4 stars; one submission).

Conditions:
NCOR1-related disorder. Also called: NCOR1-related condition.

Submission:

PreventionGenetics, part of Exact Sciences
Classification: Uncertain significance for NCOR1-related condition. Last evaluated: 2025-04-24. Review status: criteria provided, single submitter. Criteria: ACMG Guidelines, 2015. Collection method: clinical testing. Allele origin: germline.
Comment: The NCOR1 c.1607delA variant is predicted to result in a frameshift and premature protein termination (p.Glu536Glyfs*19). To our knowledge, this variant has not been reported in the literature or in a large population database (gnomAD), indicating this variant is rare. Although we suspect that this variant may be pathogenic, at this time, the clinical significance of this variant is uncertain due to the absence of conclusive functional and genetic evidence.

NM_006311.4(NCOR1):c.1607del (p.Glu536fs)

Gene: NCOR1 (nuclear receptor corepressor 1; minus strand). Cytogenetic location: 17p11.2.
Variant type: Deletion.
Coding change: c.1607del on transcript NM_006311.4 (MANE Select); coding-DNA position 1607, one base deleted (A; older notation c.1607delA).
Protein change: p.Glu536fs; shifts the reading frame from glutamic acid 536.
Molecular consequence: frameshift variant.
Genome position (GRCh38, 1-based): chr17:16,126,109, T deleted on the plus strand (A on the coding strand, the reverse complement: NCOR1 is on the minus strand). VCF-style (leftmost placement, unchanged base first): chr17-16126108-CT-C. GRCh37 (hg19) VCF-style: chr17-16029422-CT-C.
Other names: c.1280del, p.Glu427fs (NM_001190438.2); c.1607del, p.Glu536fs (NM_001190440.2, NM_001439111.1, NM_001439115.1); c.1637del, p.Glu546fs (NM_001439112.1); c.1634del, p.Glu545fs (NM_001439113.1); c.1610del, p.Glu537fs (NM_001439114.1, NM_001439116.1); short protein forms E427fs, E545fs, E546fs, E537fs, E536fs.
Identifiers: ClinVar variation 4986935 (VCV004986935.1).
Genomic context (GRCh38, chr17:16,126,108, plus strand): 5'-TTTAACTTATTATATAACTAATTATTTAACTCACTTGGAGTCTTCTTTTTCATCTTTTTC[CT>C]CTTCATCTTTCTTTTCTTCTTCTTTTTTTTCTGTTTTTTCTGCTTTATCCTCTTCTTTTT-3'